The following is an entry in ClinVar:

NM_018089.3(ANKZF1):c.8C>T (p.Pro3Leu)

Gene: ANKZF1 (ankyrin repeat and zinc finger peptidyl tRNA hydrolase 1; plus strand). Cytogenetic location: 2q35.
Variant type: single nucleotide variant.
Coding change: c.8C>T on transcript NM_018089.3 (MANE Select); coding-DNA position 8, C replaced by T.
Protein change: p.Pro3Leu; replaces proline 3 with leucine.
Molecular consequence: missense variant. On other transcripts: intron variant (1).
Genome position (GRCh38, 1-based): chr2:219,230,265, C>T. VCF-style: chr2-219230265-C-T. GRCh37 (hg19) VCF-style: chr2-220094987-C-T.
Other names: c.8C>T, p.Pro3Leu (NM_001042410.2); c.-267+365C>T (NM_001282792.2); short protein forms P3L.
Identifiers: ClinVar variation 4774053 (VCV004774053.1).

ClinVar aggregate classification (germline): Uncertain significance (1 of 4 stars; one submission).

Submission:

Labcorp Genetics (formerly Invitae), Labcorp
Classification: Uncertain significance. Last evaluated: 2025-06-22. Review status: criteria provided, single submitter. Criteria: Invitae Variant Classification Sherloc (09022015). Collection method: clinical testing. Allele origin: germline.
Comment: This sequence change replaces proline, which is neutral and non-polar, with leucine, which is neutral and non-polar, at codon 3 of the ANKZF1 protein (p.Pro3Leu). This variant is not present in population databases (gnomAD no frequency). This variant has not been reported in the literature in individuals affected with ANKZF1-related conditions. An algorithm developed to predict the effect of missense changes on protein structure and function (PolyPhen-2) suggests that this variant is likely to be disruptive. In summary, the available evidence is currently insufficient to determine the role of this variant in disease. Therefore, it has been classified as a Variant of Uncertain Significance.